The following is an entry in ClinVar:

ClinVar aggregate classification (germline): Uncertain significance (1 of 4 stars; one submission).

Conditions:
Severe combined immunodeficiency due to DCLRE1C deficiency (RS-SCID). Also called: SCID, AUTOSOMAL RECESSIVE, T CELL-NEGATIVE, B CELL-NEGATIVE, NK CELL-POSITIVE, WITH SENSITIVITY TO IONIZING RADIATION. Identifiers: Orphanet 275, MedGen C1865371, MONDO:0011225, OMIM 602450.

Submission:

Labcorp Genetics (formerly Invitae), Labcorp
Classification: Uncertain significance for Athabaskan severe combined immunodeficiency. Last evaluated: 2022-04-28. Review status: criteria provided, single submitter. Criteria: Invitae Variant Classification Sherloc (09022015). Collection method: clinical testing. Allele origin: germline.
Comment: This variant is not present in population databases (gnomAD no frequency). This sequence change replaces glutamic acid, which is acidic and polar, with lysine, which is basic and polar, at codon 652 of the DCLRE1C protein (p.Glu652Lys). In summary, the available evidence is currently insufficient to determine the role of this variant in disease. Therefore, it has been classified as a Variant of Uncertain Significance. Algorithms developed to predict the effect of missense changes on protein structure and function are either unavailable or do not agree on the potential impact of this missense change (SIFT: "Tolerated"; PolyPhen-2: "Possibly Damaging"; Align-GVGD: "Class C0"). This variant has not been reported in the literature in individuals affected with DCLRE1C-related conditions.

NM_001033855.3(DCLRE1C):c.1954G>A (p.Glu652Lys)

Gene: DCLRE1C (DNA cross-link repair 1C; minus strand). Cytogenetic location: 10p13.
Variant type: single nucleotide variant.
Coding change: c.1954G>A on transcript NM_001033855.3 (MANE Select); coding-DNA position 1954, G replaced by A.
Protein change: p.Glu652Lys; replaces glutamic acid 652 with lysine.
Molecular consequence: missense variant. On other transcripts: non-coding transcript variant (3), intron variant (3).
Genome position (GRCh38, 1-based): chr10:14,908,533, C>T on the plus strand (G>A on the coding strand, the complement: DCLRE1C is on the minus strand). VCF-style: chr10-14908533-C-T. GRCh37 (hg19) VCF-style: chr10-14950532-C-T.
Other names: c.1594G>A, p.Glu532Lys (NM_001033857.3, NM_001033858.3, NM_001289077.2 and 1 more transcripts); c.1609G>A, p.Glu537Lys (NM_001289076.2, NM_001289078.2, NM_022487.4); c.1437+172G>A (NM_001350966.2); c.1782+172G>A (NM_001350965.2); c.1422+172G>A (NM_001350967.2); short protein forms E652K, E532K, E537K.
Identifiers: ClinVar variation 2131393 (VCV002131393.4), dbSNP rs1039026605, ClinGen allele CA203427988.
Genomic context (GRCh38, chr10:14,908,533, plus strand): 5'-CATATAAATATTGTAAATGCTCTCGTTTAGGTAACTCAGCTTCTGGAGTTGAGGGAACTT[C>T]AAAATCAGAAGAGCTCTGGGAATCTGCATTTGTGCTAAGATTTAGCAAACTTTTTTCCTC-3'
Protein context (NP_001029027.1, residues 642-662): NADSQSSSDF[Glu652Lys]VPSTPEAELP